The following is an entry in ClinVar:

NM_007118.4(TRIO):c.8683C>T (p.His2895Tyr)

Gene: TRIO (trio Rho guanine nucleotide exchange factor; plus strand). Cytogenetic location: 5p15.2.
Variant type: single nucleotide variant.
Coding change: c.8683C>T on transcript NM_007118.4 (MANE Select); coding-DNA position 8683, C replaced by T.
Protein change: p.His2895Tyr; replaces histidine 2895 with tyrosine.
Molecular consequence: missense variant. On other transcripts: non-coding transcript variant (1).
Genome position (GRCh38, 1-based): chr5:14,507,192, C>T. VCF-style: chr5-14507192-C-T. GRCh37 (hg19) VCF-style: chr5-14507301-C-T.
Other names: short protein forms H2895Y.
Identifiers: ClinVar variation 3341386 (VCV003341386.1).

ClinVar aggregate classification (germline): Uncertain significance (1 of 4 stars; one submission).

Conditions:
Intellectual developmental disorder, autosomal dominant 44, with microcephaly. Also called: TRIO-Related Intellectual Disability; Micrognathia-recurrent infections-behavioral abnormalities-mild intellectual disability syndrome. Identifiers: Orphanet 476126, MedGen C4310740, MONDO:0014892, OMIM 617061.

gnomAD v4.1: 1 of 1,612,284 alleles (0.000062%); highest among the groups gnomAD compares: Non-Finnish European, 0.000085%; no homozygotes.

Submission:

Neuberg Centre For Genomic Medicine, NCGM
Classification: Uncertain significance for Intellectual developmental disorder, autosomal dominant 44, with microcephaly. Last evaluated: 2023-05-20. Review status: criteria provided, single submitter. Criteria: ACMG Guidelines, 2015. Collection method: clinical testing. Allele origin: germline. Inheritance: Autosomal dominant inheritance. Affected: yes.
Comment: The observed missense variant c.8683C>T(p.His2895Tyr) in TRIO gene has not been reported previously as a pathogenic variant nor as a benign variant, to our knowledge. The c.8683C>T variant is absent in gnomAD Exomes. The amino acid Histidine at position 2895 is changed to a Tyrosine changing protein sequence and it might alter its composition and physico-chemical properties. Computational evidence (Polyphen, SIFT and Mutation Taster) predicts conflicting evidence on protein structure and function for this variant. The amino acid change p.His2895Tyr in TRIO is predicted as conserved by GERP++ and PhyloP across 100 vertebrates. For these reasons, this variant has been classified as Uncertain Significance.